The following is an entry in ClinVar:

ClinVar aggregate classification (germline): Likely pathogenic. Review status: criteria provided, multiple submitters, no conflicts (2 of 4 stars). 2 submissions from 2 submitters: Likely pathogenic (2). Last evaluated 2025-10-03.

Conditions:
COG5-congenital disorder of glycosylation. Also called: CDG IIi; CONGENITAL DISORDER OF GLYCOSYLATION, TYPE IIi; COG5-CDG. Identifiers: Orphanet 263487, MedGen C3150876, MONDO:0013325, OMIM 613612.

Allele frequency attached by ClinVar (database versions not stated): gnomAD exomes below 0.00001 and 0.00001; gnomAD 0.00001; TOPMed 0.00001.
gnomAD v4.1: 6 of 1,613,058 alleles (0.00037%); highest among the groups gnomAD compares: Admixed American, 0.0017%; no homozygotes.

Submissions (2):

GeneDx
Classification: Likely pathogenic. Last evaluated: 2025-10-03. Review status: criteria provided, single submitter. Criteria: GeneDx Variant Classification Process June 2021. Collection method: clinical testing. Allele origin: germline. Affected: yes.
Comment: Canonical splice site variant expected to result in aberrant splicing, although in the absence of functional evidence the actual effect of this sequence change is unknown.; Not observed at significant frequency in large population cohorts (gnomAD); Has not been previously published as pathogenic or benign to our knowledge

Labcorp Genetics (formerly Invitae), Labcorp
Classification: Likely pathogenic for COG5-congenital disorder of glycosylation. Last evaluated: 2024-10-23. Review status: criteria provided, single submitter. Criteria: Invitae Variant Classification Sherloc (09022015). Collection method: clinical testing. Allele origin: germline.
Comment: This sequence change affects a donor splice site in intron 13 of the COG5 gene. It is expected to disrupt RNA splicing. Variants that disrupt the donor or acceptor splice site typically lead to a loss of protein function (PMID: 16199547), and loss-of-function variants in COG5 are known to be pathogenic (PMID: 23228021). This variant is present in population databases (no rsID available, gnomAD 0.003%). This variant has not been reported in the literature in individuals affected with COG5-related conditions. ClinVar contains an entry for this variant (Variation ID: 1467176). Algorithms developed to predict the effect of sequence changes on RNA splicing suggest that this variant may disrupt the consensus splice site. In summary, the currently available evidence indicates that the variant is pathogenic, but additional data are needed to prove that conclusively. Therefore, this variant has been classified as Likely Pathogenic.

Literature cited by the submitters: PubMed 16199547 (cited by Labcorp Genetics (formerly Invitae), Labcorp); PubMed 23228021 (cited by Labcorp Genetics (formerly Invitae), Labcorp).

NM_006348.5(COG5):c.1475+1G>A

Gene: COG5 (component of oligomeric golgi complex 5; minus strand). Cytogenetic location: 7q22.3.
Variant type: single nucleotide variant.
Coding change: c.1475+1G>A on transcript NM_006348.5 (MANE Select); the canonical splice donor site of the intron after coding-DNA position 1475, G replaced by A.
Molecular consequence: splice donor variant. On other transcripts: intron variant (1).
Genome position (GRCh38, 1-based): chr7:107,283,570, C>T on the plus strand (G>A on the coding strand, the complement: COG5 is on the minus strand). VCF-style: chr7-107283570-C-T. GRCh37 (hg19) VCF-style: chr7-106924015-C-T.
Other names: c.761+1G>A (NM_001379516.1); c.905+1G>A (NM_001379515.1); c.1314-2171G>A (NM_001379511.1); c.1475+1G>A (NM_001379512.1, NM_181733.4, NM_001379514.1 and 2 more transcripts).
Identifiers: ClinVar variation 1467176 (VCV001467176.7), dbSNP rs1465217212, ClinGen allele CA368938015.